The following is an entry in ClinVar:

ClinVar aggregate classification (germline): Uncertain significance (1 of 4 stars; one submission).

Submission:

GeneDx
Classification: Uncertain significance. Last evaluated: 2019-05-07. Review status: criteria provided, single submitter. Criteria: GeneDx Variant Classification Process June 2021. Collection method: clinical testing. Allele origin: germline. Affected: yes.
Comment: Has not been previously published as pathogenic or benign to our knowledge; Frameshift variant predicted to result in protein truncation in a gene for which loss-of-function is not a known mechanism of disease; Not observed in large population cohorts (Lek et al., 2016)

NM_005619.5(RTN2):c.472del (p.Glu158fs)

Genes: OPA3-RTN2 (OPA3-RTN2 readthrough; minus strand), RTN2 (reticulon 2; minus strand). Cytogenetic location: 19q13.32.
Variant type: Deletion.
Coding change: c.472del on transcript NM_005619.5 (MANE Select); coding-DNA position 472, one base deleted (G; older notation c.472delG).
Protein change: p.Glu158fs; shifts the reading frame from glutamic acid 158.
Molecular consequence: frameshift variant.
Genome position (GRCh38, 1-based): chr19:45,494,613, C deleted on the plus strand (G on the coding strand, the reverse complement: RTN2 is on the minus strand); the first of 4 consecutive C bases (chr19:45,494,613-45,494,616); deleting any one gives the same sequence. VCF-style (leftmost placement, unchanged base first): chr19-45494612-TC-T. GRCh37 (hg19) VCF-style: chr19-45997870-TC-T.
Other names: c.472del, p.Glu158fs (NM_206900.3); short protein forms E158fs.
Identifiers: ClinVar variation 1305711 (VCV001305711.2), dbSNP rs2122227622, ClinGen allele CA2573054793.
Genomic context (GRCh38, chr19:45,494,612, plus strand): 5'-CTGTTGGGTTCTTGGGGTTCTTCGTCTTCCAGCGGGGTGGAGCTGCTGGTGGAAGAGTCC[TC>T]CCCGGATCCCGTTCCCCGGGCCACCCAGCCCAGATGGTCCAACCGAAGCCTCAGGTCTTC-3'